The following is an entry in ClinVar:

ClinVar aggregate classification (germline): Conflicting classifications of pathogenicity. Review status: criteria provided, conflicting classifications (1 of 4 stars). 3 submissions from 3 submitters: Uncertain significance (2); Likely benign (1). Last evaluated 2022-10-26.

Conditions:
Ehlers-Danlos syndrome, classic type, 1 (EDSCL1). Also called: Ehlers-Danlos Syndrome, Classic Type, COL5A1-Related; EHLERS-DANLOS SYNDROME, GRAVIS TYPE; EHLERS-DANLOS SYNDROME, SEVERE CLASSIC TYPE; Ehlers-Danlos syndrome, type 1; EDS I. Identifiers: MedGen C0268335, MONDO:0019567, OMIM 130000.

Allele frequency attached by ClinVar (database versions not stated): gnomAD 0.00001.
gnomAD v4.1: 2 of 1,614,066 alleles (0.00012%); highest among the groups gnomAD compares: Non-Finnish European, 0.00017%; no homozygotes.

Submissions (3):

Labcorp Genetics (formerly Invitae), Labcorp
Classification: Likely benign for Ehlers-Danlos syndrome, classic type, 1. Last evaluated: 2022-10-26. Review status: criteria provided, single submitter. Criteria: Invitae Variant Classification Sherloc (09022015). Collection method: clinical testing. Allele origin: germline.

MGZ Medical Genetics Center
Classification: Uncertain significance for Ehlers-Danlos syndrome, classic type, 1. Last evaluated: 2022-03-14. Review status: criteria provided, single submitter. Criteria: ACMG Guidelines, 2015. Collection method: clinical testing. Allele origin: germline. Affected: yes. Observed: 1 variant allele.
Comment: ACMG criteria applied: PM2_SUP, PP3

GeneDx
Classification: Uncertain significance. Last evaluated: 2014-10-13. Review status: criteria provided, single submitter. Criteria: GeneDx Variant Classification (06012015). Collection method: clinical testing. Allele origin: germline. Affected: yes.
Comment: The V1602M variant has not been published as a mutation, nor has it been reported as a benign polymorphism to our knowledge. The NHLBI Exome Sequencing Project (and the 1000 Genomes Project) reports V1602M was observed in 1/978 alleles from individuals of Southeast Asian background, indicating it may be a rare (benign) variant in this population. The V1602M variant is a conservative amino acid substitution, which is not likely to impact secondary protein structure as these residues share similar properties. This substitution occurs at a position that is not conserved across evolution, and M1602 is present in several species. As a result, in silico analysis predicts this variant likely does not alter the protein structure/function. Furthermore, no missense mutations in nearby residues have been reported in association with Ehlers-Danlos syndrome, indicating that this region of the protein may be tolerant of change. Morevoer, the V1602M variant does not affect a Glycine residue in a Gly-X-Y motif in the triple helical region of the COL5A1 gene, where the majority of missense mutations occur (Symoens et al., 2012). Therefore, based on the currently available information, it is unclear whether this variant is a pathogenic mutation or a rare benign variant.This variant was found in TAAD

NM_000093.5(COL5A1):c.4831A>C (p.Ile1611Leu)

Genes: COL5A1 (collagen type V alpha 1 chain; plus strand), LOC101448202 (uncharacterized LOC101448202; minus strand). Cytogenetic location: 9q34.3.
Variant type: single nucleotide variant.
Coding change: c.4831A>C on transcript NM_000093.5 (MANE Select); coding-DNA position 4831, A replaced by C.
Protein change: p.Ile1611Leu; replaces isoleucine 1611 with leucine.
Molecular consequence: missense variant.
Genome position (GRCh38, 1-based): chr9:134,824,732, A>C. VCF-style: chr9-134824732-A-C. GRCh37 (hg19) VCF-style: chr9-137716578-A-C.
Other names: p.I1611L:ATC>CTC; c.4831A>C, p.Ile1611Leu (NM_001278074.1); short protein forms I1611L.
Identifiers: ClinVar variation 213059 (VCV000213059.9), dbSNP rs754447923, ClinGen allele CA324503.